The following is an entry in ClinVar:

ClinVar aggregate classification (germline): Pathogenic (1 of 4 stars; one submission).

Conditions:
Cone-rod dystrophy 2 (CORD2). Also called: CONE-ROD RETINAL DYSTROPHY; Cone-rod retinal dystrophy 2. Identifiers: Orphanet 1872, MedGen C3489532, MONDO:0007362, OMIM 120970.
Leber congenital amaurosis 7 (LCA7). Identifiers: Orphanet 65, MedGen C3151192, MONDO:0013449, OMIM 613829.

Submission:

Labcorp Genetics (formerly Invitae), Labcorp
Classification: Pathogenic for Cone-rod dystrophy 2; Leber congenital amaurosis 7. Last evaluated: 2022-01-03. Review status: criteria provided, single submitter. Criteria: Invitae Variant Classification Sherloc (09022015). Collection method: clinical testing. Allele origin: unknown.
Comment: ClinVar contains an entry for this variant (Variation ID: 939164). For these reasons, this variant has been classified as Pathogenic. This variant disrupts the region of the CRX protein between p.Arg41 and p.Gln256. This region has been determined to be associated with autosomal dominant CRX-related conditions (PMID: 9427255, 26682157), which suggests that variants that occur in this region are likely to be clinically significant. This variant has not been reported in the literature in individuals affected with CRX-related conditions. This sequence change creates a premature translational stop signal (p.Tyr221Serfs*35) in the CRX gene. While this is not anticipated to result in nonsense mediated decay, it is expected to disrupt the last 79 amino acid(s) of the CRX protein.

Literature cited by the submitters: PubMed 9427255; PubMed 26682157.

NC_000019.9:g.(?_48342985)_(48346262_?)del

Gene: CRX (cone-rod homeobox; plus strand). Cytogenetic location: 19q13.33.
Variant type: Deletion.
Identifiers: ClinVar variation 3248514 (VCV003248514.1).